The following is an entry in ClinVar:

NM_013275.6(ANKRD11):c.1174A>T (p.Thr392Ser)

Gene: ANKRD11 (ankyrin repeat domain 11; minus strand). Cytogenetic location: 16q24.3.
Variant type: single nucleotide variant.
Coding change: c.1174A>T on transcript NM_013275.6 (MANE Select); coding-DNA position 1174, A replaced by T.
Protein change: p.Thr392Ser; replaces threonine 392 with serine.
Molecular consequence: missense variant.
Genome position (GRCh38, 1-based): chr16:89,285,368, T>A on the plus strand (A>T on the coding strand, the complement: ANKRD11 is on the minus strand). VCF-style: chr16-89285368-T-A. GRCh37 (hg19) VCF-style: chr16-89351776-T-A.
Other names: c.1174A>T, p.Thr392Ser (NM_001256182.2, NM_001256183.2); short protein forms T392S.
Identifiers: ClinVar variation 4975822 (VCV004975822.1).

ClinVar aggregate classification (germline): Uncertain significance (1 of 4 stars; one submission).

Submission:

GeneDx
Classification: Uncertain significance. Last evaluated: 2026-02-02. Review status: criteria provided, single submitter. Criteria: GeneDx Variant Classification Process June 2021. Collection method: clinical testing. Allele origin: germline.
Comment: Not observed at significant frequency in large population cohorts (gnomAD); In silico analysis suggests that this missense variant does not alter protein structure/function; Has not been previously published as pathogenic or benign to our knowledge